The following is an entry in ClinVar:

ClinVar aggregate classification (germline): Uncertain significance (1 of 4 stars; one submission).

gnomAD v4.1: 1 of 1,612,990 alleles (0.000062%); highest among the groups gnomAD compares: Non-Finnish European, 0.000085%; no homozygotes.

Submission:

Labcorp Genetics (formerly Invitae), Labcorp
Classification: Uncertain significance. Last evaluated: 2025-06-06. Review status: criteria provided, single submitter. Criteria: Invitae Variant Classification Sherloc (09022015). Collection method: clinical testing. Allele origin: germline.
Comment: This sequence change replaces alanine, which is neutral and non-polar, with valine, which is neutral and non-polar, at codon 258 of the RAI1 protein (p.Ala258Val). This variant is not present in population databases (gnomAD no frequency). This variant has not been reported in the literature in individuals affected with RAI1-related conditions. ClinVar contains an entry for this variant (Variation ID: 3699134). Invitae Evidence Modeling of protein sequence and biophysical properties (such as structural, functional, and spatial information, amino acid conservation, physicochemical variation, residue mobility, and thermodynamic stability) indicates that this missense variant is not expected to disrupt RAI1 protein function with a negative predictive value of 80%. In summary, the available evidence is currently insufficient to determine the role of this variant in disease. Therefore, it has been classified as a Variant of Uncertain Significance.

NM_030665.4(RAI1):c.773C>T (p.Ala258Val)

Gene: RAI1 (retinoic acid induced 1; plus strand). Cytogenetic location: 17p11.2.
Variant type: single nucleotide variant.
Coding change: c.773C>T on transcript NM_030665.4 (MANE Select); coding-DNA position 773, C replaced by T.
Protein change: p.Ala258Val; replaces alanine 258 with valine.
Molecular consequence: missense variant.
Genome position (GRCh38, 1-based): chr17:17,793,721, C>T. VCF-style: chr17-17793721-C-T. GRCh37 (hg19) VCF-style: chr17-17697035-C-T.
Other names: short protein forms A258V.
Identifiers: ClinVar variation 3699134 (VCV003699134.2).